The following is an entry in ClinVar:

ClinVar aggregate classification (germline): Uncertain significance (1 of 4 stars; one submission).

gnomAD v4.1: 19 of 1,536,872 alleles (0.0012%); highest among the groups gnomAD compares: Non-Finnish European, 0.0016%; no homozygotes.

Submission:

GeneDx
Classification: Uncertain significance. Last evaluated: 2024-11-25. Review status: criteria provided, single submitter. Criteria: GeneDx Variant Classification Process June 2021. Collection method: clinical testing. Allele origin: germline. Affected: yes.
Comment: Not observed at significant frequency in large population cohorts (gnomAD); In silico analysis supports that this missense variant has a deleterious effect on protein structure/function; Has not been previously published as pathogenic or benign to our knowledge

NM_001378183.1(PIEZO2):c.4373A>G (p.Tyr1458Cys)

Gene: PIEZO2 (piezo type mechanosensitive ion channel component 2; minus strand). Cytogenetic location: 18p11.22.
Variant type: single nucleotide variant.
Coding change: c.4373A>G on transcript NM_001378183.1 (MANE Select); coding-DNA position 4373, A replaced by G.
Protein change: p.Tyr1458Cys; replaces tyrosine 1458 with cysteine.
Molecular consequence: missense variant.
Genome position (GRCh38, 1-based): chr18:10,748,522, T>C on the plus strand (A>G on the coding strand, the complement: PIEZO2 is on the minus strand). VCF-style: chr18-10748522-T-C. GRCh37 (hg19) VCF-style: chr18-10748520-T-C.
Other names: c.4373A>G, p.Tyr1458Cys (NM_001410871.1); c.4298A>G, p.Tyr1433Cys (NM_022068.4); short protein forms Y1433C, Y1458C.
Identifiers: ClinVar variation 3900062 (VCV003900062.1).